The following is an entry in ClinVar:

ClinVar aggregate classification (germline): Conflicting classifications of pathogenicity. Review status: criteria provided, conflicting classifications (1 of 4 stars). 7 submissions from 7 submitters: Uncertain significance (1); Benign (1); Likely benign (4). 1 of the submissions does not count toward it. Last evaluated 2026-02-01.

Conditions:
HCN1-related disorder. Also called: HCN1-related disorders; HCN1-related condition.
Inborn genetic diseases. Identifiers: MedGen C0950123, MeSH D030342.
Early-infantile DEE. Also called: Early infantile epileptic encephalopathy with suppression bursts; Early infantile epileptic encephalopathy; Ohtahara syndrome. Identifiers: Orphanet 1934, MedGen C0393706, MONDO:0800491.

Allele frequency attached by ClinVar (database versions not stated): gnomAD exomes 0.00004 and 0.00016; ExAC 0.00017; ESP Exome Variant Server 0.00038; gnomAD 0.00059 and 0.00062; TOPMed 0.00065; 1000 Genomes Project 0.00100; 1000 Genomes Project 30x 0.00125.
gnomAD v4.1: 162 of 1,613,662 alleles (0.01%); highest among the groups gnomAD compares: African/African-American, 0.18%; no homozygotes.

Submissions (7):

CeGaT Center for Human Genetics Tuebingen
Classification: Likely benign. Last evaluated: 2026-02-01. Review status: criteria provided, single submitter. Criteria: CeGaT Center For Human Genetics Tuebingen Variant Classification Criteria Version 2. Collection method: clinical testing. Allele origin: germline. Affected: yes. Observed: 2 variant alleles.
Comment: HCN1: BP4, BS1

Labcorp Genetics (formerly Invitae), Labcorp
Classification: Likely benign for Early-infantile DEE. Last evaluated: 2025-12-19. Review status: criteria provided, single submitter. Criteria: Invitae Variant Classification Sherloc (09022015). Collection method: clinical testing. Allele origin: germline.

Blueprint Genetics
Classification: Likely benign. Last evaluated: 2024-11-25. Review status: criteria provided, single submitter. Criteria: ACMG Guidelines, 2015. Collection method: clinical testing. Allele origin: germline.

GeneDx
Classification: Benign. Last evaluated: 2021-06-01. Review status: criteria provided, single submitter. Criteria: GeneDx Variant Classification Process June 2021. Collection method: clinical testing. Allele origin: germline. Affected: yes.

Eurofins Ntd Llc (ga)
Classification: Uncertain significance. Last evaluated: 2017-06-20. Review status: criteria provided, single submitter. Criteria: EGL Classification Definitions 2015. Collection method: clinical testing. Allele origin: germline. Observed: 1 variant allele, 1 heterozygote.

Ambry Genetics
Classification: Likely benign for Inborn genetic diseases. Last evaluated: 2017-02-18. Review status: criteria provided, single submitter. Criteria: Ambry Variant Classification Scheme 2023. Collection method: clinical testing. Allele origin: germline.

PreventionGenetics, part of Exact Sciences
Classification: Likely benign for HCN1-related condition. Last evaluated: 2024-02-12. Review status: no assertion criteria provided. Collection method: clinical testing. Allele origin: germline. Not counted in ClinVar's aggregate classification.
Comment: This variant is classified as likely benign based on ACMG/AMP sequence variant interpretation guidelines (Richards et al. 2015 PMID: 25741868, with internal and published modifications).

NM_021072.4(HCN1):c.1619-3T>C

Gene: HCN1 (hyperpolarization activated cyclic nucleotide gated potassium channel 1; minus strand). Cytogenetic location: 5p12.
Variant type: single nucleotide variant.
Coding change: c.1619-3T>C on transcript NM_021072.4 (MANE Select); 3 bases into the intron before coding-DNA position 1619, T replaced by C.
Molecular consequence: intron variant.
Genome position (GRCh38, 1-based): chr5:45,267,256, A>G on the plus strand (T>C on the coding strand, the complement: HCN1 is on the minus strand). VCF-style: chr5-45267256-A-G. GRCh37 (hg19) VCF-style: chr5-45267358-A-G.
Identifiers: ClinVar variation 502430 (VCV000502430.34), dbSNP rs376434225, ClinGen allele CA3259244.